The following is an entry in ClinVar:

ClinVar aggregate classification (germline): Likely benign. Review status: criteria provided, multiple submitters, no conflicts (2 of 4 stars). 2 submissions from 2 submitters: Likely benign (2). Last evaluated 2026-03-02.

Conditions:
PKD1-related disorder. Also called: PKD1-related condition.

gnomAD v4.1: 52 of 1,610,268 alleles (0.0032%); highest among the groups gnomAD compares: African/African-American, 0.053%; no homozygotes.

Submissions (2):

PreventionGenetics, part of Exact Sciences
Classification: Likely benign for PKD1-related condition. Last evaluated: 2026-03-02. Review status: criteria provided, single submitter. Criteria: ACMG Guidelines, 2015. Collection method: clinical testing. Allele origin: germline.
Comment: This variant is classified as likely benign based on ACMG/AMP sequence variant interpretation guidelines (Richards et al. 2015 PMID: 25741868, with internal and published modifications).

Blueprint Genetics
Classification: Likely benign. Last evaluated: 2023-02-28. Review status: criteria provided, single submitter. Criteria: ACMG Guidelines, 2015. Collection method: clinical testing. Allele origin: germline.

NM_001009944.3(PKD1):c.5370C>T (p.Ala1790=)

Gene: PKD1 (polycystin 1, transient receptor potential channel interacting; minus strand). Cytogenetic location: 16p13.3.
Variant type: single nucleotide variant.
Coding change: c.5370C>T on transcript NM_001009944.3 (MANE Select); coding-DNA position 5370, C replaced by T.
Protein change: p.Ala1790=; no amino-acid change (alanine 1790 retained).
Molecular consequence: synonymous variant.
Genome position (GRCh38, 1-based): chr16:2,109,797, G>A on the plus strand (C>T on the coding strand, the complement: PKD1 is on the minus strand). VCF-style: chr16-2109797-G-A. GRCh37 (hg19) VCF-style: chr16-2159798-G-A.
Other names: c.5370C>T, p.Ala1790= (NM_000296.4).
Identifiers: ClinVar variation 4927844 (VCV004927844.2).